The following is an entry in ClinVar:

NM_181882.3(PRX):c.2701G>A (p.Val901Ile)

Gene: PRX (periaxin; minus strand). Cytogenetic location: 19q13.2.
Variant type: single nucleotide variant.
Coding change: c.2701G>A on transcript NM_181882.3 (MANE Select); coding-DNA position 2701, G replaced by A.
Protein change: p.Val901Ile; replaces valine 901 with isoleucine.
Molecular consequence: missense variant. On other transcripts: 3 prime UTR variant (1).
Genome position (GRCh38, 1-based): chr19:40,395,651, C>T on the plus strand (G>A on the coding strand, the complement: PRX is on the minus strand). VCF-style: chr19-40395651-C-T. GRCh37 (hg19) VCF-style: chr19-40901558-C-T.
Other names: c.*2906G>A (NM_020956.2); short protein forms V901I.
Identifiers: ClinVar variation 1306112 (VCV001306112.2), dbSNP rs767898499, ClinGen allele CA9443999.
Genomic context (GRCh38, chr19:40,395,651, plus strand): 5'-TCATCTCCAGCCGCCCTTCCTCAATTTCCACGGCGGGCAGCTGTGGGGTGACAATTTCAA[C>T]AGAGGGCACTCGGAAGCCCACTTCCCTGACCCCTGCTGCCACCTCAGGGCCCTCCACCCG-3'
Protein context (NP_870998.2, residues 891-911): VREVGFRVPS[Val901Ile]EIVTPQLPAV

ClinVar aggregate classification (germline): Uncertain significance (1 of 4 stars; one submission).

Allele frequency attached by ClinVar (database versions not stated): gnomAD exomes 0.00003 and 0.00006; ExAC 0.00007.
gnomAD v4.1: 37 of 1,614,220 alleles (0.0023%); highest among the groups gnomAD compares: South Asian, 0.036%; no homozygotes.

Submission:

GeneDx
Classification: Uncertain significance. Last evaluated: 2019-05-30. Review status: criteria provided, single submitter. Criteria: GeneDx Variant Classification Process June 2021. Collection method: clinical testing. Allele origin: germline. Affected: yes.
Comment: In silico analysis, which includes protein predictors and evolutionary conservation, supports that this variant does not alter protein structure/function; Has not been previously published as pathogenic or benign to our knowledge